The following is an entry in ClinVar:

ClinVar aggregate classification (germline): Pathogenic (1 of 4 stars; one submission).

Conditions:
Donnai-Barrow syndrome. Also called: DBS/FOAR SYNDROME; FACIOOCULOACOUSTICORENAL SYNDROME. Identifiers: Orphanet 2143, MedGen C1857277, MONDO:0009104, OMIM 222448.

Submission:

Myriad Genetics, Inc.
Classification: Pathogenic for Donnai-Barrow syndrome. Last evaluated: 2024-11-21. Review status: criteria provided, single submitter. Criteria: Myriad Autosomal Dominant, Autosomal Recessive and X-Linked Classification Criteria (2023). Collection method: clinical testing. Allele origin: unknown.
Comment: NM_004525.2(LRP2):c.10832G>A(W3611*) is expected to be pathogenic in the context of Donnai-Barrow syndrome. This variant is predicted to lead to an abnormal or absent protein product due to the creation of a premature termination codon in LRP2, a gene where loss-of-function variants are known to be pathogenic. Please note: this variant was assessed in the context of healthy population screening.

NM_004525.3(LRP2):c.10832G>A (p.Trp3611Ter)

Gene: LRP2 (LDL receptor related protein 2; minus strand). Cytogenetic location: 2q31.1.
Variant type: single nucleotide variant.
Coding change: c.10832G>A on transcript NM_004525.3 (MANE Select); coding-DNA position 10832, G replaced by A.
Protein change: p.Trp3611Ter; replaces tryptophan 3611 with a stop codon.
Molecular consequence: nonsense.
Genome position (GRCh38, 1-based): chr2:169,174,101, C>T on the plus strand (G>A on the coding strand, the complement: LRP2 is on the minus strand). VCF-style: chr2-169174101-C-T. GRCh37 (hg19) VCF-style: chr2-170030611-C-T.
Other names: short protein forms W3611*.
Identifiers: ClinVar variation 5013781 (VCV005013781.1).